The following is an entry in ClinVar:

NM_001377.3(DYNC2H1):c.11539T>G (p.Trp3847Gly)

Gene: DYNC2H1 (dynein cytoplasmic 2 heavy chain 1; plus strand). Cytogenetic location: 11q22.3.
Variant type: single nucleotide variant.
Coding change: c.11539T>G on transcript NM_001377.3 (MANE Select); coding-DNA position 11539, T replaced by G.
Protein change: p.Trp3847Gly; replaces tryptophan 3847 with glycine.
Molecular consequence: missense variant.
Genome position (GRCh38, 1-based): chr11:103,311,923, T>G. VCF-style: chr11-103311923-T-G. GRCh37 (hg19) VCF-style: chr11-103182652-T-G.
Other names: c.11560T>G, p.Trp3854Gly (NM_001080463.2); short protein forms W3847G, W3854G.
Identifiers: ClinVar variation 2578669 (VCV002578669.28), dbSNP rs752554582, ClinGen allele CA6255308.

ClinVar aggregate classification (germline): Uncertain significance. Review status: criteria provided, multiple submitters, no conflicts (2 of 4 stars). 3 submissions from 3 submitters: Uncertain significance (3). Last evaluated 2026-04-15.

Conditions:
Asphyxiating thoracic dystrophy 3. Also called: SHORT-RIB THORACIC DYSPLASIA 3 WITH OR WITHOUT POLYDACTYLY; POLYDACTYLY WITH NEONATAL CHONDRODYSTROPHY, TYPE I; SHORT-RIB THORACIC DYSPLASIA 3/6 WITH POLYDACTYLY, DIGENIC; Short rib polydactyly syndrome 2B; Saldino-Noonan Syndrome. Identifiers: Orphanet 474, Orphanet 93269, Orphanet 93270, Orphanet 93271, MedGen C0036069, MONDO:0013127, OMIM 613091.

Allele frequency attached by ClinVar (database versions not stated): TOPMed 0.00001; ExAC 0.00002; gnomAD 0.00002; gnomAD exomes 0.00003.
gnomAD v4.1: 39 of 1,613,512 alleles (0.0024%); highest among the groups gnomAD compares: Non-Finnish European, 0.0033%; no homozygotes.

Submissions (3):

Myriad Genetics, Inc.
Classification: Uncertain significance for Asphyxiating thoracic dystrophy 3. Last evaluated: 2026-04-15. Review status: criteria provided, single submitter. Criteria: Myriad Autosomal Dominant, Autosomal Recessive and X-Linked Classification Criteria (2023). Collection method: clinical testing. Allele origin: unknown.
Comment: NM_001377.2(DYNC2H1):c.11539T>G(W3847G) is a missense variant classified as a variant of uncertain significance in the context of DYNC2H1-related disorders. W3847G has been observed in a case with relevant disease (PMID: 23456818). Relevant functional assessments of this variant are not available in the literature. W3847G has been observed in referenced population frequency databases. In summary, there is insufficient evidence to classify NM_001377.2(DYNC2H1):c.11539T>G(W3847G) as pathogenic or benign. Please note: this variant was assessed in the context of healthy population screening.

Women's Health and Genetics/Laboratory Corporation of America, LabCorp
Classification: Uncertain significance. Last evaluated: 2024-03-22. Review status: criteria provided, single submitter. Criteria: LabCorp Variant Classification Summary - May 2015. Collection method: clinical testing. Allele origin: germline.
Comment: Variant summary: DYNC2H1 c.11560T>G (p.Trp3854Gly) results in a non-conservative amino acid change in the encoded protein sequence. Four of five in-silico tools predict a damaging effect of the variant on protein function. The variant allele was found at a frequency of 1.2e-05 in 248302 control chromosomes. c.11560T>G has been reported at a homozygous state in the literature in one individual affected with Short-rib thoracic dysplasia (Schmidts_2013). These data indicate that the variant may be associated with disease. To our knowledge, no experimental evidence demonstrating an impact on protein function has been reported.The following publication have been ascertained in the context of this evaluation (PMID: 23456818). ClinVar contains an entry for this variant (Variation ID: 2578669). Based on the evidence outlined above, the variant was classified as VUS-possibly pathogenic.

CeGaT Center for Human Genetics Tuebingen
Classification: Uncertain significance. Last evaluated: 2023-08-01. Review status: criteria provided, single submitter. Criteria: CeGaT Center For Human Genetics Tuebingen Variant Classification Criteria Version 2. Collection method: clinical testing. Allele origin: germline. Affected: yes. Observed: 2 variant alleles.
Comment: DYNC2H1: PM2, PM3, PP4

Literature cited by the submitters: PubMed 23456818 (cited by Myriad Genetics, Inc. and Women's Health and Genetics/Laboratory Corporation of America, LabCorp).